The following is an entry in ClinVar:

NM_000303.3(PMM2):c.201_202del (p.Phe68fs)

Gene: PMM2 (phosphomannomutase 2; plus strand). Cytogenetic location: 16p13.2.
Variant type: Microsatellite.
Coding change: c.201_202del on transcript NM_000303.3 (MANE Select); coding-DNA positions 201 to 202, 2 bases deleted (GT; older notation c.201_202delGT).
Protein change: p.Phe68fs; shifts the reading frame from phenylalanine 68.
Molecular consequence: frameshift variant.
Genome position (GRCh38, 1-based): chr16:8,804,789-8,804,790, GT deleted; deleting any 2 consecutive bases within chr16:8,804,786-8,804,790 gives the same sequence; the c. name uses the placement nearest the transcript's 3' end. VCF-style (leftmost placement, unchanged base first): chr16-8804785-ATG-A. GRCh37 (hg19) VCF-style: chr16-8898642-ATG-A.
Other names: c.201_202del (NM_000303.2); short protein forms F68fs.
Identifiers: ClinVar variation 1076104 (VCV001076104.11), dbSNP rs1343161886, ClinGen allele CA620728880.
Genomic context (GRCh38, chr16:8,804,785, plus strand): 5'-TGATTCTTTGCATTCTAAGTGTTTTTTTGGTTTTGATTGTAGTGGTTGAAAAATACGATT[ATG>A]TGTTTCCAGAAAATGGCTTGGTAGCATACAAAGATGGGAAACTCTTGTGTAGACAGGTAG-3'

ClinVar aggregate classification (germline): Pathogenic/Likely pathogenic. Review status: criteria provided, multiple submitters, no conflicts (2 of 4 stars). 3 submissions from 3 submitters: Pathogenic (1); Likely pathogenic (2). Last evaluated 2025-07-06.

Conditions:
PMM2-congenital disorder of glycosylation. Also called: CDG Ia; JAEKEN SYNDROME; PHOSPHOMANNOMUTASE 2 DEFICIENCY; CARBOHYDRATE-DEFICIENT GLYCOPROTEIN SYNDROME, TYPE Ia; Congenital disorder of glycosylation, type Ia; PMM2-CDG. Identifiers: Orphanet 79318, MedGen C0349653, MONDO:0008907, OMIM 212065.

Submissions (3):

Labcorp Genetics (formerly Invitae), Labcorp
Classification: Pathogenic for PMM2-congenital disorder of glycosylation. Last evaluated: 2025-07-06. Review status: criteria provided, single submitter. Criteria: Invitae Variant Classification Sherloc (09022015). Collection method: clinical testing. Allele origin: germline.
Comment: This sequence change creates a premature translational stop signal (p.Phe68Serfs*16) in the PMM2 gene. It is expected to result in an absent or disrupted protein product. Loss-of-function variants in PMM2 are known to be pathogenic (PMID: 19862844). This variant is present in population databases (no rsID available, gnomAD 0.003%). This variant has not been reported in the literature in individuals affected with PMM2-related conditions. For these reasons, this variant has been classified as Pathogenic.

Natera, Inc.
Classification: Likely pathogenic for Congenital disorder of glycosylation type 1a. Last evaluated: 2024-07-10. Review status: criteria provided, single submitter. Criteria: Natera Variant Classification Schema (03/2026). Collection method: clinical testing. Allele origin: germline.
Comment: The c.201_202del variant in PMM2 is a frameshift variant predicted to shift the reading frame beginning at codon 68 and leads to a stop codon 16 codons downstream. This variant is expected to result in nonsense mediated decay, truncation, or a dysfunctional protein product. This variant is rare in the general population with a frequency below the threshold expected for the associated phenotype(s). Given the available evidence, this variant is classified as Likely Pathogenic.

Fulgent Genetics
Classification: Likely pathogenic for PMM2-congenital disorder of glycosylation. Last evaluated: 2024-04-08. Review status: criteria provided, single submitter. Criteria: ACMG Guidelines, 2015. Collection method: clinical testing. Allele origin: germline.

Literature cited by the submitters: PubMed 19862844 (cited by Labcorp Genetics (formerly Invitae), Labcorp).